The following is an entry in ClinVar:

ClinVar aggregate classification (germline): Benign (1 of 4 stars; one submission).

Allele frequency attached by ClinVar (database versions not stated): 1000 Genomes Project 0.53634; 1000 Genomes Project 30x 0.54685; TOPMed 0.56690; gnomAD 0.56719 and 0.56900.
gnomAD v4.1: 86,161 of 152,054 alleles (57%); highest among the groups gnomAD compares: Middle Eastern, 64%; 24,552 homozygotes.

Submission:

GeneDx
Classification: Benign. Last evaluated: 2018-06-14. Review status: criteria provided, single submitter. Criteria: GeneDx Variant Classification (06012015). Collection method: clinical testing. Allele origin: germline. Affected: yes.
Comment: This variant is considered likely benign or benign based on one or more of the following criteria: it is a conservative change, it occurs at a poorly conserved position in the protein, it is predicted to be benign by multiple in silico algorithms, and/or has population frequency not consistent with disease.

NM_000053.4(ATP7B):c.3699+299G>A

Gene: ATP7B (ATPase copper transporting beta; minus strand). Cytogenetic location: 13q14.3.
Variant type: single nucleotide variant.
Coding change: c.3699+299G>A on transcript NM_000053.4 (MANE Select); 299 bases into the intron after coding-DNA position 3699, G replaced by A.
Molecular consequence: intron variant.
Genome position (GRCh38, 1-based): chr13:51,938,752, C>T on the plus strand (G>A on the coding strand, the complement: ATP7B is on the minus strand). VCF-style: chr13-51938752-C-T. GRCh37 (hg19) VCF-style: chr13-52512888-C-T.
Other names: c.3366+299G>A (NM_001243182.2); c.3078+299G>A (NM_001005918.3); c.3447+299G>A (NM_001330579.2); c.3465+299G>A (NM_001330578.2).
Identifiers: ClinVar variation 680485 (VCV000680485.1), dbSNP rs1924608, ClinGen allele CA13789255.
Genomic context (GRCh38, chr13:51,938,752, plus strand): 5'-GTGAGAAGAGCTGAGCTGGCAAAATCTTCCCTTAACATAAAGGTTAGAAAATGTCTATCT[C>T]AGCCCTTAGGTCACATACTTTTTTTTCCATTGCAAAGACTGGGAAACGGTTAGAGAACCC-3'